The following is an entry in ClinVar:

ClinVar aggregate classification (germline): Pathogenic/Likely pathogenic. Review status: criteria provided, multiple submitters, no conflicts (2 of 4 stars). 2 submissions from 2 submitters: Pathogenic (1); Likely pathogenic (1). Last evaluated 2026-04-11.

Conditions:
Ehlers-Danlos syndrome due to tenascin-X deficiency (EDSCLL1). Also called: EHLERS-DANLOS SYNDROME, CLASSIC-LIKE; Ehlers-Danlos syndrome, classic-like, 1; TNXB-Related Classical-Like Ehlers-Danlos Syndrome; EDS DUE TO TNX DEFICIENCY; TNX DEFICIENCY. Identifiers: Orphanet 230839, MedGen C1848029, MONDO:0011670, OMIM 606408.
Ehlers-Danlos syndrome (EDS). Identifiers: Orphanet 98249, MedGen C0013720, MONDO:0020066.

Submissions (2):

Myriad Genetics, Inc.
Classification: Pathogenic for Ehlers-Danlos syndrome due to tenascin-X deficiency. Last evaluated: 2026-04-11. Review status: criteria provided, single submitter. Criteria: Myriad Autosomal Dominant, Autosomal Recessive and X-Linked Classification Criteria (2023). Collection method: clinical testing. Allele origin: unknown.
Comment: NM_019105.6(TNXB):c.782delG(G261Vfs*17) is expected to be pathogenic in the context of classical-like Ehlers-Danlos syndrome, TNXB-related. This variant is predicted to lead to an abnormal or absent protein product due to the creation of a premature termination codon in TNXB, a gene where loss-of-function variants are known to be pathogenic. Please note: this variant was assessed in the context of healthy population screening.

Clinical Genetics Laboratory, Skane University Hospital Lund
Classification: Likely pathogenic for Ehlers-Danlos syndrome. Last evaluated: 2025-07-01. Review status: criteria provided, single submitter. Criteria: ACMG Guidelines, 2015. Collection method: clinical testing. Allele origin: germline. Affected: yes.

NM_001365276.2(TNXB):c.782del (p.Gly261fs)

Gene: TNXB (tenascin XB; minus strand). Cytogenetic location: 6p21.33.
Variant type: Deletion.
Coding change: c.782del on transcript NM_001365276.2 (MANE Select); coding-DNA position 782, one base deleted (G; older notation c.782delG).
Protein change: p.Gly261fs; shifts the reading frame from glycine 261.
Molecular consequence: frameshift variant.
Genome position (GRCh38, 1-based): chr6:32,097,071, C deleted on the plus strand (G on the coding strand, the reverse complement: TNXB is on the minus strand); the first of 3 consecutive C bases (chr6:32,097,071-32,097,073); deleting any one gives the same sequence. VCF-style (leftmost placement, unchanged base first): chr6-32097070-AC-A. GRCh37 (hg19) VCF-style: chr6-32064847-AC-A.
Other names: c.782del, p.Gly261fs (NM_001428335.1, NM_019105.8); short protein forms G261fs.
Identifiers: ClinVar variation 3906982 (VCV003906982.2).